The following is an entry in ClinVar:

ClinVar aggregate classification (germline): Uncertain significance. Review status: criteria provided, multiple submitters, no conflicts (2 of 4 stars). 2 submissions from 2 submitters: Uncertain significance (2). Last evaluated 2025-07-09.

Conditions:
Cardiovascular phenotype. Identifiers: MedGen CN230736.
Primary dilated cardiomyopathy (DCM). Also called: Dilated Cardiomyopathy. Identifiers: Orphanet 217604, MedGen C0007193, MeSH D002311, MONDO:0005021, HP:0001644. Inheritance: Various modes of inheritance.

gnomAD v4.1: 1 of 1,525,580 alleles (0.000066%); highest among the groups gnomAD compares: Non-Finnish European, 0.000087%; no homozygotes.

Submissions (2):

Ambry Genetics
Classification: Uncertain significance for Cardiovascular phenotype. Last evaluated: 2025-07-09. Review status: criteria provided, single submitter. Criteria: Ambry Variant Classification Scheme 2023. Collection method: clinical testing. Allele origin: germline.
Comment: The p.G10A variant (also known as c.29G>C), located in coding exon 1 of the TXNRD2 gene, results from a G to C substitution at nucleotide position 29. The glycine at codon 10 is replaced by alanine, an amino acid with similar properties. This amino acid position is conserved. In addition, this alteration is predicted to be tolerated by in silico analysis. Based on the available evidence, the clinical significance of this variant remains unclear.

Labcorp Genetics (formerly Invitae), Labcorp
Classification: Uncertain significance for Primary dilated cardiomyopathy. Last evaluated: 2020-12-18. Review status: criteria provided, single submitter. Criteria: Invitae Variant Classification Sherloc (09022015). Collection method: clinical testing. Allele origin: germline.
Comment: Algorithms developed to predict the effect of missense changes on protein structure and function (SIFT, PolyPhen-2, Align-GVGD) all suggest that this variant is likely to be tolerated, but these predictions have not been confirmed by published functional studies and their clinical significance is uncertain. In summary, the available evidence is currently insufficient to determine the role of this variant in disease. Therefore, it has been classified as a Variant of Uncertain Significance. This variant has not been reported in the literature in individuals with TXNRD2-related conditions. The frequency data for this variant in the population databases is considered unreliable, as metrics indicate insufficient coverage at this position in the ExAC database. This sequence change replaces glycine with alanine at codon 10 of the TXNRD2 protein (p.Gly10Ala). The glycine residue is moderately conserved and there is a small physicochemical difference between glycine and alanine.

NM_006440.5(TXNRD2):c.29G>C (p.Gly10Ala)

Genes: COMT (catechol-O-methyltransferase; plus strand), TXNRD2 (thioredoxin reductase 2; minus strand). Cytogenetic location: 22q11.21.
Variant type: single nucleotide variant.
Coding change: c.29G>C on transcript NM_006440.5 (MANE Select); coding-DNA position 29, G replaced by C.
Protein change: p.Gly10Ala; replaces glycine 10 with alanine.
Molecular consequence: missense variant. On other transcripts: non-coding transcript variant (1), 5 prime UTR variant (2).
Genome position (GRCh38, 1-based): chr22:19,941,775, C>G on the plus strand (G>C on the coding strand, the complement: TXNRD2 is on the minus strand). VCF-style: chr22-19941775-C-G. GRCh37 (hg19) VCF-style: chr22-19929298-C-G.
Other names: c.29G>C, p.Gly10Ala (NM_001282512.3, NM_001352300.2); c.-214C>G (NM_000754.4); c.-508C>G (NM_001362828.2); short protein forms G10A.
Identifiers: ClinVar variation 1339933 (VCV001339933.9), dbSNP rs1159919237, ClinGen allele CA410700132.